The following is an entry in ClinVar:

ClinVar aggregate classification (germline): Uncertain significance. Review status: criteria provided, multiple submitters, no conflicts (2 of 4 stars). 2 submissions from 2 submitters: Uncertain significance (2). Last evaluated 2026-05-08.

Conditions:
MAGEL2-related disorder. Also called: MAGEL2-related condition.

Submissions (2):

PreventionGenetics, part of Exact Sciences
Classification: Uncertain significance for MAGEL2-related condition. Last evaluated: 2026-05-08. Review status: criteria provided, single submitter. Criteria: ACMG Guidelines, 2015. Collection method: clinical testing. Allele origin: germline.
Comment: The MAGEL2 c.1610_1627del18 variant is predicted to result in an in-frame deletion (p.Gln537_Val542del). To our knowledge, this variant has not been reported in the literature. This variant is reported in 0.0% of alleles in individuals of African descent in gnomAD. At this time, the clinical significance of this variant is uncertain due to the absence of conclusive functional and genetic evidence.

Labcorp Genetics (formerly Invitae), Labcorp
Classification: Uncertain significance. Last evaluated: 2025-10-10. Review status: criteria provided, single submitter. Criteria: Invitae Variant Classification Sherloc (09022015). Collection method: clinical testing. Allele origin: germline.
Comment: This variant, c.1610_1627del, results in the deletion of 6 amino acid(s) of the MAGEL2 protein (p.Gln537_Val542del), but otherwise preserves the integrity of the reading frame. The frequency data for this variant in the population databases is considered unreliable, as metrics indicate insufficient coverage at this position in the gnomAD database. This variant has not been reported in the literature in individuals affected with MAGEL2-related conditions. ClinVar contains an entry for this variant (Variation ID: 2179343). Experimental studies and prediction algorithms are not available or were not evaluated, and the functional significance of this variant is currently unknown. In summary, the available evidence is currently insufficient to determine the role of this variant in disease. Therefore, it has been classified as a Variant of Uncertain Significance.

NM_019066.5(MAGEL2):c.1610_1627del (p.Gln537_Val542del)

Gene: MAGEL2 (MAGE family member L2; minus strand). Cytogenetic location: 15q11.2.
Variant type: Deletion.
Coding change: c.1610_1627del on transcript NM_019066.5 (MANE Select); coding-DNA positions 1610 to 1627, 18 bases deleted (AGGCGGCGCCGCAGGTGC).
Protein change: p.Gln537_Val542del.
Molecular consequence: inframe deletion.
Genome position (GRCh38, 1-based): chr15:23,646,116-23,646,133, GCACCTGCGGCGCCGCCT deleted on the plus strand (AGGCGGCGCCGCAGGTGC on the coding strand, the reverse complement: MAGEL2 is on the minus strand); deleting any 18 consecutive bases within chr15:23,646,116-23,646,143 gives the same sequence; the c. name uses the placement nearest the transcript's 3' end. VCF-style (leftmost placement, unchanged base first): chr15-23646115-GGCACCTGCGGCGCCGCCT-G. GRCh37 (hg19) VCF-style: chr15-23891262-GGCACCTGCGGCGCCGCCT-G.
Other names: c.1610_1627del18 (NM_019066.4).
Identifiers: ClinVar variation 2179343 (VCV002179343.5), dbSNP rs1338350291, ClinGen allele CA617084186.